The following is an entry in ClinVar:

NM_020365.5(EIF2B3):c.390G>A (p.Met130Ile)

Gene: EIF2B3 (eukaryotic translation initiation factor 2B subunit gamma; minus strand). Cytogenetic location: 1p34.1.
Variant type: single nucleotide variant.
Coding change: c.390G>A on transcript NM_020365.5 (MANE Select); coding-DNA position 390, G replaced by A.
Protein change: p.Met130Ile; replaces methionine 130 with isoleucine.
Molecular consequence: missense variant.
Genome position (GRCh38, 1-based): chr1:44,941,570, C>T on the plus strand (G>A on the coding strand, the complement: EIF2B3 is on the minus strand). VCF-style: chr1-44941570-C-T. GRCh37 (hg19) VCF-style: chr1-45407242-C-T.
Other names: c.390G>A, p.Met130Ile (NM_001166588.3, NM_001261418.2); short protein forms M130I.
Identifiers: ClinVar variation 1520863 (VCV001520863.8), dbSNP rs763969996, ClinGen allele CA824040.

ClinVar aggregate classification (germline): Uncertain significance (1 of 4 stars; one submission).

Allele frequency attached by ClinVar (database versions not stated): gnomAD exomes below 0.00001 and 0.00001; gnomAD 0.00001; ExAC 0.00002.

Submission:

Labcorp Genetics (formerly Invitae), Labcorp
Classification: Uncertain significance. Last evaluated: 2021-03-28. Review status: criteria provided, single submitter. Criteria: Invitae Variant Classification Sherloc (09022015). Collection method: clinical testing. Allele origin: germline.
Comment: In summary, the available evidence is currently insufficient to determine the role of this variant in disease. Therefore, it has been classified as a Variant of Uncertain Significance. Algorithms developed to predict the effect of missense changes on protein structure and function (SIFT, PolyPhen-2, Align-GVGD) all suggest that this variant is likely to be tolerated, but these predictions have not been confirmed by published functional studies and their clinical significance is uncertain. This variant has not been reported in the literature in individuals with EIF2B3-related conditions. This variant is present in population databases (rs763969996, ExAC 0.01%). This sequence change replaces methionine with isoleucine at codon 130 of the EIF2B3 protein (p.Met130Ile). The methionine residue is highly conserved and there is a small physicochemical difference between methionine and isoleucine.